The following is an entry in ClinVar:

NM_001621.5(AHR):c.2480T>C (p.Leu827Pro)

Gene: AHR (aryl hydrocarbon receptor; plus strand). Cytogenetic location: 7p21.1.
Variant type: single nucleotide variant.
Coding change: c.2480T>C on transcript NM_001621.5 (MANE Select); coding-DNA position 2480, T replaced by C.
Protein change: p.Leu827Pro; replaces leucine 827 with proline.
Molecular consequence: missense variant.
Genome position (GRCh38, 1-based): chr7:17,342,997, T>C. VCF-style: chr7-17342997-T-C. GRCh37 (hg19) VCF-style: chr7-17382621-T-C.
Other names: short protein forms L827P.
Identifiers: ClinVar variation 1020963 (VCV001020963.6), dbSNP rs1782442548, ClinGen allele CA366897474.

ClinVar aggregate classification (germline): Uncertain significance (1 of 4 stars; one submission).

Allele frequency attached by ClinVar (database versions not stated): TOPMed below 0.00001; gnomAD 0.00001.
gnomAD v4.1: 3 of 1,613,768 alleles (0.00019%); highest among the groups gnomAD compares: African/African-American, 0.0027%; no homozygotes.

Submission:

Labcorp Genetics (formerly Invitae), Labcorp
Classification: Uncertain significance. Last evaluated: 2022-11-15. Review status: criteria provided, single submitter. Criteria: Invitae Variant Classification Sherloc (09022015). Collection method: clinical testing. Allele origin: germline.
Comment: ClinVar contains an entry for this variant (Variation ID: 1020963). This variant has not been reported in the literature in individuals affected with AHR-related conditions. This variant is not present in population databases (gnomAD no frequency). This sequence change replaces leucine, which is neutral and non-polar, with proline, which is neutral and non-polar, at codon 827 of the AHR protein (p.Leu827Pro). Algorithms developed to predict the effect of missense changes on protein structure and function are either unavailable or do not agree on the potential impact of this missense change (SIFT: "Deleterious"; PolyPhen-2: "Probably Damaging"; Align-GVGD: "Class C0"). In summary, the available evidence is currently insufficient to determine the role of this variant in disease. Therefore, it has been classified as a Variant of Uncertain Significance.